The following is an entry in ClinVar:

ClinVar aggregate classification (germline): Uncertain significance (1 of 4 stars; one submission).

Conditions:
Episodic ataxia type 2 (EA2). Also called: ACETAZOLAMIDE-RESPONSIVE HEREDITARY PAROXYSMAL CEREBELLAR ATAXIA; ATAXIA, EPISODIC, WITH NYSTAGMUS; ATAXIA, FAMILIAL PAROXYSMAL; CEREBELLAR ATAXIA, PAROXYSMAL, ACETAZOLAMIDE-RESPONSIVE; CEREBELLOPATHY, HEREDITARY PAROXYSMAL; EPISODIC ATAXIA, NYSTAGMUS-ASSOCIATED. Identifiers: Orphanet 97, MedGen C1720416, MONDO:0007163, OMIM 108500.
Developmental and epileptic encephalopathy, 42 (DEE42A). Also called: EPILEPTIC ENCEPHALOPATHY, EARLY INFANTILE, 42A; DEVELOPMENTAL AND EPILEPTIC ENCEPHALOPATHY 42A; Epileptic encephalopathy, early infantile, 42. Identifiers: MedGen C4310716, MONDO:0014917, OMIM 617106.

Allele frequency attached by ClinVar (database versions not stated): gnomAD exomes below 0.00001.
gnomAD v4.1: 1 of 1,542,610 alleles (0.000065%); highest among the groups gnomAD compares: Non-Finnish European, 0.000087%; no homozygotes.

Submission:

Labcorp Genetics (formerly Invitae), Labcorp
Classification: Uncertain significance for Developmental and epileptic encephalopathy, 42; Episodic ataxia type 2. Last evaluated: 2022-04-25. Review status: criteria provided, single submitter. Criteria: Invitae Variant Classification Sherloc (09022015). Collection method: clinical testing. Allele origin: germline.
Comment: In summary, the available evidence is currently insufficient to determine the role of this variant in disease. Therefore, it has been classified as a Variant of Uncertain Significance. Advanced modeling of protein sequence and biophysical properties (such as structural, functional, and spatial information, amino acid conservation, physicochemical variation, residue mobility, and thermodynamic stability) performed at Invitae indicates that this missense variant is not expected to disrupt CACNA1A protein function. This variant has not been reported in the literature in individuals affected with CACNA1A-related conditions. This variant is not present in population databases (gnomAD no frequency). This sequence change replaces alanine, which is neutral and non-polar, with valine, which is neutral and non-polar, at codon 20 of the CACNA1A protein (p.Ala20Val).

NM_001127222.2(CACNA1A):c.59C>T (p.Ala20Val)

Gene: CACNA1A (calcium voltage-gated channel subunit alpha1 A; minus strand). Cytogenetic location: 19p13.13.
Variant type: single nucleotide variant.
Coding change: c.59C>T on transcript NM_001127222.2 (MANE Select); coding-DNA position 59, C replaced by T.
Protein change: p.Ala20Val; replaces alanine 20 with valine.
Molecular consequence: missense variant.
Genome position (GRCh38, 1-based): chr19:13,506,166, G>A on the plus strand (C>T on the coding strand, the complement: CACNA1A is on the minus strand). VCF-style: chr19-13506166-G-A. GRCh37 (hg19) VCF-style: chr19-13616980-G-A.
Other names: c.59C>T, p.Ala20Val (NM_000068.4, NM_001127221.2, NM_001174080.2 and 1 more transcripts); short protein forms A20V.
Identifiers: ClinVar variation 2130726 (VCV002130726.4), dbSNP rs2513710012, ClinGen allele CA404971287.